The following is an entry in ClinVar:

ClinVar aggregate classification (germline): Uncertain significance (1 of 4 stars; one submission).

Submission:

Ambry Genetics
Classification: Uncertain significance. Last evaluated: 2024-02-24. Review status: criteria provided, single submitter. Criteria: Ambry Variant Classification Scheme 2023. Collection method: clinical testing. Allele origin: germline.
Comment: The p.G996R variant (also known as c.2986G>C), located in coding exon 15 of the NPAT gene, results from a G to C substitution at nucleotide position 2986. The glycine at codon 996 is replaced by arginine, an amino acid with dissimilar properties. This amino acid position is conserved. In addition, this alteration is predicted to be tolerated by in silico analysis. Based on the available evidence, the clinical significance of this alteration remains unclear.

NM_002519.3(NPAT):c.2986G>C (p.Gly996Arg)

Gene: NPAT (nuclear protein, coactivator of histone transcription; minus strand). Cytogenetic location: 11q22.3.
Variant type: single nucleotide variant.
Coding change: c.2986G>C on transcript NM_002519.3 (MANE Select); coding-DNA position 2986, G replaced by C.
Protein change: p.Gly996Arg; replaces glycine 996 with arginine.
Molecular consequence: missense variant.
Genome position (GRCh38, 1-based): chr11:108,169,768, C>G on the plus strand (G>C on the coding strand, the complement: NPAT is on the minus strand). VCF-style: chr11-108169768-C-G. GRCh37 (hg19) VCF-style: chr11-108040495-C-G.
Other names: c.2986G>C, p.Gly996Arg (NM_001321307.1); short protein forms G996R.
Identifiers: ClinVar variation 3222568 (VCV003222568.1), dbSNP rs2496710610, ClinGen allele CA382511801.